The following is an entry in ClinVar:

ClinVar aggregate classification (germline): Likely benign. Review status: criteria provided, multiple submitters, no conflicts (2 of 4 stars). 2 submissions from 2 submitters: Likely benign (2). Last evaluated 2026-09-01.

Allele frequency attached by ClinVar (database versions not stated): gnomAD 0.00001; TOPMed 0.00001; ExAC 0.00002; gnomAD exomes 0.00002; 1000 Genomes Project 30x 0.00016; 1000 Genomes Project 0.00020.

Submissions (2):

CeGaT Center for Human Genetics Tuebingen
Classification: Likely benign. Last evaluated: 2026-09-01. Review status: criteria provided, single submitter. Criteria: CeGaT Center For Human Genetics Tuebingen Variant Classification Criteria Version 2. Collection method: clinical testing. Allele origin: germline. Affected: yes. Observed: 1 variant allele.
Comment: DPF2: BP4

Labcorp Genetics (formerly Invitae), Labcorp
Classification: Likely benign. Last evaluated: 2025-08-18. Review status: criteria provided, single submitter. Criteria: Invitae Variant Classification Sherloc (09022015). Collection method: clinical testing. Allele origin: germline.

NM_006268.5(DPF2):c.301+7C>T

Gene: DPF2 (double PHD fingers 2; plus strand). Cytogenetic location: 11q13.1.
Variant type: single nucleotide variant.
Coding change: c.301+7C>T on transcript NM_006268.5 (MANE Select); 7 bases into the intron after coding-DNA position 301, C replaced by T.
Molecular consequence: intron variant.
Genome position (GRCh38, 1-based): chr11:65,341,080, C>T. VCF-style: chr11-65341080-C-T. GRCh37 (hg19) VCF-style: chr11-65108551-C-T.
Other names: c.301+7C>T (NM_001330308.2).
Identifiers: ClinVar variation 2177163 (VCV002177163.5), dbSNP rs201807910, ClinGen allele CA6095227.